The following is an entry in ClinVar:

ClinVar aggregate classification (germline): Likely benign. Review status: criteria provided, multiple submitters, no conflicts (2 of 4 stars). 3 submissions from 3 submitters: Likely benign (3). Last evaluated 2025-10-29.

Conditions:
GDAP1-related disorder. Also called: GDAP1-related disorders; GDAP1-related condition.
Inborn genetic diseases. Identifiers: MedGen C0950123, MeSH D030342.
Charcot-Marie-Tooth disease type 4A. Also called: Charcot-Marie-Tooth disease, demyelinating, autosomal recessive, type 4a. Identifiers: Orphanet 99948, MedGen C1859198, MONDO:0008961, OMIM 214400.

Allele frequency attached by ClinVar (database versions not stated): ExAC 0.00003; gnomAD exomes 0.00003 and 0.00006; TOPMed 0.00007; ESP Exome Variant Server 0.00008; gnomAD 0.00009 and 0.00011.
gnomAD v4.1: 98 of 1,613,736 alleles (0.0061%); highest among the groups gnomAD compares: African/African-American, 0.025%; no homozygotes.

Submissions (3):

Labcorp Genetics (formerly Invitae), Labcorp
Classification: Likely benign for Charcot-Marie-Tooth disease type 4A. Last evaluated: 2025-10-29. Review status: criteria provided, single submitter. Criteria: Invitae Variant Classification Sherloc (09022015). Collection method: clinical testing. Allele origin: germline.

PreventionGenetics, part of Exact Sciences
Classification: Likely benign for GDAP1-related condition. Last evaluated: 2025-06-26. Review status: criteria provided, single submitter. Criteria: ACMG Guidelines, 2015. Collection method: clinical testing. Allele origin: germline.
Comment: This variant is classified as likely benign based on ACMG/AMP sequence variant interpretation guidelines (Richards et al. 2015 PMID: 25741868, with internal and published modifications).

Ambry Genetics
Classification: Likely benign for Inborn genetic diseases. Last evaluated: 2019-07-11. Review status: criteria provided, single submitter. Criteria: Ambry Variant Classification Scheme 2023. Collection method: clinical testing. Allele origin: germline.

NM_018972.4(GDAP1):c.744C>T (p.Asp248=)

Gene: GDAP1 (ganglioside induced differentiation associated protein 1; plus strand). Cytogenetic location: 8q21.11.
Variant type: single nucleotide variant.
Coding change: c.744C>T on transcript NM_018972.4 (MANE Select); coding-DNA position 744, C replaced by T.
Protein change: p.Asp248=; no amino-acid change (aspartic acid 248 retained).
Molecular consequence: synonymous variant. On other transcripts: intron variant (1).
Genome position (GRCh38, 1-based): chr8:74,364,034, C>T. VCF-style: chr8-74364034-C-T. GRCh37 (hg19) VCF-style: chr8-75276269-C-T.
Other names: c.540C>T, p.Asp180= (NM_001040875.4); c.417C>T, p.Asp139= (NM_001362929.2, NM_001362932.2); c.570C>T, p.Asp190= (NM_001362930.2); c.694+981C>T (NM_001362931.2).
Identifiers: ClinVar variation 467765 (VCV000467765.14), dbSNP rs370099528, ClinGen allele CA4785193.
Genomic context (GRCh38, chr8:74,364,034, plus strand): 5'-TCTCTAATTAGAAGAGGGCCAGCAACCTTGGCTCTGCGGTGAATCCTTCACCCTGGCAGA[C>T]GTCTCACTCGCTGTCACATTGCATCGACTGAAGTTCCTGGGGTTTGCAAGGAGAAACTGG-3'
Protein context (NP_061845.2, residues 238-258): WLCGESFTLA[Asp248=]VSLAVTLHRL